The following is an entry in ClinVar:

ClinVar aggregate classification (germline): Pathogenic (1 of 4 stars; one submission).

Conditions:
Neurodevelopmental disorder with microcephaly, arthrogryposis, and structural brain anomalies. Identifiers: Orphanet 664923, MedGen C5231431, MONDO:0032838, OMIM 618622.

Submission:

Women's Health and Genetics/Laboratory Corporation of America, LabCorp
Classification: Pathogenic for Neurodevelopmental disorder with microcephaly, arthrogryposis, and structural brain anomalies. Last evaluated: 2024-04-19. Review status: criteria provided, single submitter. Criteria: LabCorp Variant Classification Summary - May 2015. Collection method: clinical testing. Allele origin: germline.
Comment: Variant summary: The variant involves the deletion of exons 1-20 in the SMPD4 gene. A presumed nomenclature of c.(?_-119)_(*1148_?)del has been designated for the purposes of this classification. This deletion includes the entire coding sequence of the gene. As the exact proximal and distal breakpoints are unknown, it may extend beyond the annotated region of the gene to include other flanking genes. Loss-of-function variants of SMPD4 are known to cause disease. The variant was absent in 21694 control chromosomes in the gnomAD database (Structural Variants v2.1 dataset). Large deletions which encompass the entire SMPD4 gene (together with flanking DNA regions), have been reported in compound heterozygous state in individuals affected with Arthrogryposis (Magini_2019, Qin_2023). The following publications have been ascertained in the context of this evaluation (PMID: 37880672, 31495489). No submitters have cited clinical-significance assessments for this variant to ClinVar. Based on the evidence outlined above, the variant was classified as pathogenic.

Literature cited by the submitters: PubMed 31495489; PubMed 37880672.

NC_000002.11:g.(?_130908980)_(130939176_?)del

Gene: SMPD4 (sphingomyelin phosphodiesterase 4; minus strand). Cytogenetic location: 2q21.1.
Variant type: Deletion.
Identifiers: ClinVar variation 3251837 (VCV003251837.1).